The following is an entry in ClinVar:

NM_005908.4(MANBA):c.952T>A (p.Ser318Thr)

Gene: MANBA (mannosidase beta; minus strand). Cytogenetic location: 4q24.
Variant type: single nucleotide variant.
Coding change: c.952T>A on transcript NM_005908.4 (MANE Select); coding-DNA position 952, T replaced by A.
Protein change: p.Ser318Thr; replaces serine 318 with threonine.
Molecular consequence: missense variant.
Genome position (GRCh38, 1-based): chr4:102,689,582, A>T on the plus strand (T>A on the coding strand, the complement: MANBA is on the minus strand). VCF-style: chr4-102689582-A-T. GRCh37 (hg19) VCF-style: chr4-103610739-A-T.
Other names: short protein forms S318T.
Identifiers: ClinVar variation 1966089 (VCV001966089.2), dbSNP rs1288678758, ClinGen allele CA357768559.

ClinVar aggregate classification (germline): Uncertain significance (1 of 4 stars; one submission).

Conditions:
Beta-D-mannosidosis (MANSB). Also called: MANNOSIDOSIS, BETA A, LYSOSOMAL; BETA-MANNOSIDASE DEFICIENCY; LYSOSOMAL BETA-MANNOSIDASE DEFICIENCY; Beta-Mannosidosis. Identifiers: Orphanet 118, MedGen C4048196, MONDO:0009562, OMIM 248510.

Allele frequency attached by ClinVar (database versions not stated): TOPMed below 0.00001; gnomAD exomes below 0.00001; gnomAD 0.00001.
gnomAD v4.1: 5 of 1,577,548 alleles (0.00032%); highest among the groups gnomAD compares: African/African-American, 0.0014%; no homozygotes.

Submission:

Labcorp Genetics (formerly Invitae), Labcorp
Classification: Uncertain significance for Beta-D-mannosidosis. Last evaluated: 2022-05-14. Review status: criteria provided, single submitter. Criteria: Invitae Variant Classification Sherloc (09022015). Collection method: clinical testing. Allele origin: germline.
Comment: This sequence change replaces serine, which is neutral and polar, with threonine, which is neutral and polar, at codon 318 of the MANBA protein (p.Ser318Thr). This variant is not present in population databases (gnomAD no frequency). This variant has not been reported in the literature in individuals affected with MANBA-related conditions. Algorithms developed to predict the effect of missense changes on protein structure and function (SIFT, PolyPhen-2, Align-GVGD) all suggest that this variant is likely to be tolerated. In summary, the available evidence is currently insufficient to determine the role of this variant in disease. Therefore, it has been classified as a Variant of Uncertain Significance.